The following is an entry in ClinVar:

NM_015488.5(PNKD):c.17C>T (p.Ala6Val)

Genes: PNKD (PNKD metallo-beta-lactamase domain containing; plus strand), LOC129935594 (ATAC-STARR-seq lymphoblastoid active region 17117; plus strand). Cytogenetic location: 2q35.
Variant type: single nucleotide variant.
Coding change: c.17C>T on transcript NM_015488.5 (MANE Select); coding-DNA position 17, C replaced by T.
Protein change: p.Ala6Val; replaces alanine 6 with valine.
Molecular consequence: missense variant.
Genome position (GRCh38, 1-based): chr2:218,270,552, C>T. VCF-style: chr2-218270552-C-T. GRCh37 (hg19) VCF-style: chr2-219135275-C-T.
Other names: c.17C>T, p.Ala6Val (NM_001077399.3); short protein forms A6V.
Identifiers: ClinVar variation 1357065 (VCV001357065.6), dbSNP rs1559495483, ClinGen allele CA350543545.

ClinVar aggregate classification (germline): Uncertain significance (1 of 4 stars; one submission).

Conditions:
Paroxysmal nonkinesigenic dyskinesia. Also called: Paroxysmal non-kinesigenic dyskinesia. Identifiers: Orphanet 98810, MedGen C1869117, MONDO:0700088.

Allele frequency attached by ClinVar (database versions not stated): TOPMed below 0.00001.

Submission:

Labcorp Genetics (formerly Invitae), Labcorp
Classification: Uncertain significance for Paroxysmal nonkinesigenic dyskinesia. Last evaluated: 2025-01-19. Review status: criteria provided, single submitter. Criteria: Invitae Variant Classification Sherloc (09022015). Collection method: clinical testing. Allele origin: germline.
Comment: This sequence change replaces alanine, which is neutral and non-polar, with valine, which is neutral and non-polar, at codon 6 of the PNKD protein (p.Ala6Val). This variant is not present in population databases (gnomAD no frequency). This variant has not been reported in the literature in individuals affected with PNKD-related conditions. ClinVar contains an entry for this variant (Variation ID: 1357065). An algorithm developed to predict the effect of missense changes on protein structure and function (PolyPhen-2) suggests that this variant is likely to be disruptive. In summary, the available evidence is currently insufficient to determine the role of this variant in disease. Therefore, it has been classified as a Variant of Uncertain Significance.